The following is an entry in ClinVar:

NM_000179.3(MSH6):c.3545G>C (p.Arg1182Thr)

Gene: MSH6 (mutS homolog 6; plus strand). Cytogenetic location: 2p16.3.
Variant type: single nucleotide variant.
Coding change: c.3545G>C on transcript NM_000179.3 (MANE Select); coding-DNA position 3545, G replaced by C.
Protein change: p.Arg1182Thr; replaces arginine 1182 with threonine.
Molecular consequence: missense variant.
Genome position (GRCh38, 1-based): chr2:47,805,016, G>C. VCF-style: chr2-47805016-G-C. GRCh37 (hg19) VCF-style: chr2-48032155-G-C.
Other names: c.3155G>C, p.Arg1052Thr (NM_001281492.2); c.2639G>C, p.Arg880Thr (NM_001281493.2, NM_001281494.2); short protein forms R1052T, R1182T, R880T.
Identifiers: ClinVar variation 1015363 (VCV001015363.13), dbSNP rs1669880235, ClinGen allele CA346760254.

ClinVar aggregate classification (germline): Uncertain significance. Review status: criteria provided, multiple submitters, no conflicts (2 of 4 stars). 3 submissions from 3 submitters: Uncertain significance (3). Last evaluated 2025-02-28.

Conditions:
Hereditary nonpolyposis colorectal neoplasms. Identifiers: MedGen C0009405, MeSH D003123.
Hereditary cancer-predisposing syndrome. Also called: Hereditary Cancer Syndrome; Tumor predisposition; Neoplastic Syndromes, Hereditary; Hereditary neoplastic syndrome. Identifiers: Orphanet 140162, MedGen C0027672, MeSH D009386, MONDO:0015356.

Submissions (3):

Ambry Genetics
Classification: Uncertain significance for Hereditary cancer-predisposing syndrome. Last evaluated: 2025-02-28. Review status: criteria provided, single submitter. Criteria: Ambry Variant Classification Scheme 2023. Collection method: clinical testing. Allele origin: germline.
Comment: The p.R1182T variant (also known as c.3545G>C), located in coding exon 6 of the MSH6 gene, results from a G to C substitution at nucleotide position 3545. The arginine at codon 1182 is replaced by threonine, an amino acid with similar properties. This amino acid position is highly conserved in available vertebrate species. In addition, this alteration is predicted to be deleterious by in silico analysis. Based on the available evidence, the clinical significance of this variant remains unclear.

Labcorp Genetics (formerly Invitae), Labcorp
Classification: Uncertain significance for Hereditary nonpolyposis colorectal neoplasms. Last evaluated: 2024-04-05. Review status: criteria provided, single submitter. Criteria: Invitae Variant Classification Sherloc (09022015). Collection method: clinical testing. Allele origin: germline.
Comment: This sequence change replaces arginine, which is basic and polar, with threonine, which is neutral and polar, at codon 1182 of the MSH6 protein (p.Arg1182Thr). This variant is not present in population databases (gnomAD no frequency). This variant has not been reported in the literature in individuals affected with MSH6-related conditions. ClinVar contains an entry for this variant (Variation ID: 1015363). Advanced modeling of protein sequence and biophysical properties (such as structural, functional, and spatial information, amino acid conservation, physicochemical variation, residue mobility, and thermodynamic stability) performed at Invitae indicates that this missense variant is not expected to disrupt MSH6 protein function with a negative predictive value of 95%. In summary, the available evidence is currently insufficient to determine the role of this variant in disease. Therefore, it has been classified as a Variant of Uncertain Significance.

GeneDx
Classification: Uncertain significance. Last evaluated: 2019-06-10. Review status: criteria provided, single submitter. Criteria: GeneDx Variant Classification Process June 2021. Collection method: clinical testing. Allele origin: germline. Affected: yes.
Comment: Not observed in large population cohorts (Lek et al., 2016); Has not been previously published as pathogenic or benign to our knowledge